The following is an entry in ClinVar:

NM_001042492.3(NF1):c.1238C>A (p.Ser413Ter)

Gene: NF1 (neurofibromin 1; plus strand). Cytogenetic location: 17q11.2.
Variant type: single nucleotide variant.
Coding change: c.1238C>A on transcript NM_001042492.3 (MANE Select); coding-DNA position 1238, C replaced by A.
Protein change: p.Ser413Ter; replaces serine 413 with a stop codon.
Molecular consequence: nonsense.
Genome position (GRCh38, 1-based): chr17:31,201,463, C>A. VCF-style: chr17-31201463-C-A. GRCh37 (hg19) VCF-style: chr17-29528481-C-A.
Other names: c.1238C>A, p.Ser413Ter (NM_000267.4, NM_001128147.3); short protein forms S413*.
Identifiers: ClinVar variation 662203 (VCV000662203.8), dbSNP rs1241533665, ClinGen allele CA398997677.

ClinVar aggregate classification (germline): Pathogenic. Review status: criteria provided, multiple submitters, no conflicts (2 of 4 stars). 4 submissions from 4 submitters: Pathogenic (4). Last evaluated 2026-07-23.

Conditions:
Neurofibromatosis, type 1 (NF1). Also called: VON RECKLINGHAUSEN DISEASE; Peripheral type neurofibromatosis; NEUROFIBROMATOSIS, TYPE I, SOMATIC; Neurofibromatosis, type I. Identifiers: Orphanet 636, MedGen C0027831, MONDO:0018975, OMIM 162200. Disease mechanism: loss of function.
Hereditary cancer-predisposing syndrome. Also called: Hereditary Cancer Syndrome; Hereditary neoplastic syndrome; Neoplastic Syndromes, Hereditary; Tumor predisposition. Identifiers: Orphanet 140162, MedGen C0027672, MeSH D009386, MONDO:0015356.
Cardiovascular phenotype. Identifiers: MedGen CN230736.
NF1-related disorder. Also called: NF1-related condition. Identifiers: MedGen CN379171.

Submissions (4):

Myriad Genetics, Inc.
Classification: Pathogenic for Neurofibromatosis, type 1. Last evaluated: 2026-07-23. Review status: criteria provided, single submitter. Criteria: Myriad Autosomal Dominant, Autosomal Recessive and X-Linked Classification Criteria (2023). Collection method: clinical testing. Allele origin: unknown.
Comment: This variant is considered pathogenic. This variant creates a termination codon and is predicted to result in premature protein truncation.

Ambry Genetics
Classification: Pathogenic for Cardiovascular phenotype; Hereditary cancer-predisposing syndrome. Last evaluated: 2025-03-31. Review status: criteria provided, single submitter. Criteria: Ambry Variant Classification Scheme 2023. Collection method: clinical testing. Allele origin: germline.
Comment: The p.S413* pathogenic mutation (also known as c.1238C>A), located in coding exon 11 of the NF1 gene, results from a C to A substitution at nucleotide position 1238. This changes the amino acid from a serine to a stop codon within coding exon 11. This variant is considered to be rare based on population cohorts in the Genome Aggregation Database (gnomAD). This alteration is expected to result in loss of function by premature protein truncation or nonsense-mediated mRNA decay. As such, this alteration is interpreted as a disease-causing mutation.

Blueprint Genetics
Classification: Pathogenic for NF1-related disorders. Last evaluated: 2021-11-18. Review status: criteria provided, single submitter. Criteria: ACMG Guidelines, 2015. Collection method: clinical testing. Allele origin: germline. Affected: yes. Observed: 1 variant allele.

Labcorp Genetics (formerly Invitae), Labcorp
Classification: Pathogenic for Neurofibromatosis, type 1. Last evaluated: 2020-03-11. Review status: criteria provided, single submitter. Criteria: Invitae Variant Classification Sherloc (09022015). Collection method: clinical testing. Allele origin: germline.
Comment: For these reasons, this variant has been classified as Pathogenic. Loss-of-function variants in NF1 are known to be pathogenic (PMID: 10712197, 23913538). This nonsense change has been observed in individual(s) with neurofibromatosis, type 1 (PMID: 23656349). ClinVar contains an entry for this variant (Variation ID: 662203). This variant is not present in population databases (ExAC no frequency). This sequence change creates a premature translational stop signal (p.Ser413*) in the NF1 gene. It is expected to result in an absent or disrupted protein product.

Literature cited by the submitters: PubMed 10712197 (cited by Labcorp Genetics (formerly Invitae), Labcorp); PubMed 23913538 (cited by Labcorp Genetics (formerly Invitae), Labcorp); PubMed 23656349 (cited by Labcorp Genetics (formerly Invitae), Labcorp).